The following is an entry in ClinVar:

NM_001321142.2(CIDEC):c.600C>T (p.His200=)

Gene: CIDEC (cell death inducing DFFA like effector c; minus strand). Cytogenetic location: 3p25.3.
Variant type: single nucleotide variant.
Coding change: c.600C>T on transcript NM_001321142.2 (MANE Select); coding-DNA position 600, C replaced by T.
Protein change: p.His200=; no amino-acid change (histidine 200 retained).
Molecular consequence: synonymous variant.
Genome position (GRCh38, 1-based): chr3:9,867,251, G>A on the plus strand (C>T on the coding strand, the complement: CIDEC is on the minus strand). VCF-style: chr3-9867251-G-A. GRCh37 (hg19) VCF-style: chr3-9908935-G-A.
Other names: p.His213=; c.600C>T, p.His200= (NM_022094.3, NM_001199552.2, NM_001378491.1); c.630C>T, p.His210= (NM_001199551.2); c.639C>T, p.His213= (NM_001199623.2); c.378C>T, p.His126= (NM_001321143.2, NM_001321144.2); c.639C>T (NM_001199623.1).
Identifiers: ClinVar variation 128773 (VCV000128773.13), dbSNP rs17222536, ClinGen allele CA214483.
Genomic context (GRCh38, chr3:9,867,251, plus strand): 5'-CTGCCCTTCCTCCGTAGCATCGAGGAGCTGCTGCAGGTAACAGGAGGTGCCAAGCAGTAC[G>A]TGGCCTGTGGCCTGCATGCTGAAGAGGGCCCAGCGGAAAGCTTCCCTGGGTGGAATGAGA-3'
Protein context (NP_001308071.1, residues 190-210): WALFSMQATG[His200=]VLLGTSCYLQ

ClinVar aggregate classification (germline): Benign. Review status: criteria provided, multiple submitters, no conflicts (2 of 4 stars). 5 submissions from 5 submitters: Benign (3). 2 of the submissions do not count toward it. Last evaluated 2022-05-05.

Conditions:
CIDEC-related disorder. Also called: CIDEC-related condition.

Allele frequency attached by ClinVar (database versions not stated): ESP Exome Variant Server 0.07550; 1000 Genomes Project 30x 0.03107; 1000 Genomes Project 0.03255; TOPMed 0.06359; ExAC 0.07854; gnomAD 0.07236 and 0.07435.
gnomAD v4.1: 146,118 of 1,614,072 alleles (9.1%); highest among the groups gnomAD compares: Non-Finnish European, 10%; 7,757 homozygotes.

Submissions (5):

Mayo Clinic Laboratories, Mayo Clinic
Classification: Benign. Last evaluated: 2022-05-05. Review status: criteria provided, single submitter. Criteria: ACMG Guidelines, 2015. Collection method: clinical testing. Allele origin: germline. Observed: 69 variant alleles.

GeneDx
Classification: Benign. Last evaluated: 2018-11-10. Review status: criteria provided, single submitter. Criteria: GeneDx Variant Classification Process June 2021. Collection method: clinical testing. Allele origin: germline. Affected: yes.

Breakthrough Genomics
Classification: Benign. Review status: criteria provided, single submitter. Criteria: ACMG Guidelines, 2015. Collection method: not provided. Allele origin: germline. Inheritance: Autosomal recessive inheritance. Affected: yes.

PreventionGenetics, part of Exact Sciences
Classification: Benign for CIDEC-related condition. Last evaluated: 2019-12-02. Review status: no assertion criteria provided. Collection method: clinical testing. Allele origin: germline. Not counted in ClinVar's aggregate classification.
Comment: This variant is classified as benign based on ACMG/AMP sequence variant interpretation guidelines (Richards et al. 2015 PMID: 25741868, with internal and published modifications).

Genetic Services Laboratory, University of Chicago
Classification: Likely benign for AllHighlyPenetrant. Review status: no assertion criteria provided. Collection method: clinical testing. Allele origin: germline. Inheritance: Autosomal recessive inheritance. Not counted in ClinVar's aggregate classification.
Comment: Likely benign based on allele frequency in 1000 Genomes Project or ESP global frequency and its presence in a patient with a rare or unrelated disease phenotype. NOT Sanger confirmed.